The following is an entry in ClinVar:

NM_004946.3(DOCK2):c.3794C>T (p.Thr1265Ile)

Gene: DOCK2 (dedicator of cytokinesis 2; plus strand). Cytogenetic location: 5q35.1.
Variant type: single nucleotide variant.
Coding change: c.3794C>T on transcript NM_004946.3 (MANE Select); coding-DNA position 3794, C replaced by T.
Protein change: p.Thr1265Ile; replaces threonine 1265 with isoleucine.
Molecular consequence: missense variant. On other transcripts: non-coding transcript variant (1).
Genome position (GRCh38, 1-based): chr5:170,042,050, C>T. VCF-style: chr5-170042050-C-T. GRCh37 (hg19) VCF-style: chr5-169469054-C-T.
Other names: c.3794C>T, p.Thr1265Ile (LRG_1227t1); short protein forms T1265I.
Identifiers: ClinVar variation 665335 (VCV000665335.9), dbSNP rs768197840, ClinGen allele CA3554330.

ClinVar aggregate classification (germline): Uncertain significance. Review status: criteria provided, multiple submitters, no conflicts (2 of 4 stars). 2 submissions from 2 submitters: Uncertain significance (2). Last evaluated 2025-06-30.

Conditions:
Inborn genetic diseases. Identifiers: MedGen C0950123, MeSH D030342.
DOCK2 deficiency. Also called: Immunodeficiency 40. Identifiers: Orphanet 447737, MedGen C4225328, MONDO:0014637, OMIM 616433.

Allele frequency attached by ClinVar (database versions not stated): ExAC 0.00002; gnomAD exomes 0.00002; gnomAD 0.00003; TOPMed 0.00006.
gnomAD v4.1: 64 of 1,613,634 alleles (0.004%); highest among the groups gnomAD compares: Non-Finnish European, 0.0054%; no homozygotes.

Submissions (2):

Ambry Genetics
Classification: Uncertain significance for Inborn genetic diseases. Last evaluated: 2025-06-30. Review status: criteria provided, single submitter. Criteria: Ambry Variant Classification Scheme 2023. Collection method: clinical testing. Allele origin: germline.

Labcorp Genetics (formerly Invitae), Labcorp
Classification: Uncertain significance for DOCK2 deficiency. Last evaluated: 2022-05-31. Review status: criteria provided, single submitter. Criteria: Invitae Variant Classification Sherloc (09022015). Collection method: clinical testing. Allele origin: germline.
Comment: This sequence change replaces threonine, which is neutral and polar, with isoleucine, which is neutral and non-polar, at codon 1265 of the DOCK2 protein (p.Thr1265Ile). This variant is present in population databases (rs768197840, gnomAD 0.004%). This variant has not been reported in the literature in individuals affected with DOCK2-related conditions. ClinVar contains an entry for this variant (Variation ID: 665335). Algorithms developed to predict the effect of missense changes on protein structure and function (SIFT, PolyPhen-2, Align-GVGD) all suggest that this variant is likely to be tolerated. In summary, the available evidence is currently insufficient to determine the role of this variant in disease. Therefore, it has been classified as a Variant of Uncertain Significance.